The following is an entry in ClinVar:

ClinVar aggregate classification (germline): Likely pathogenic. Review status: criteria provided, multiple submitters, no conflicts (2 of 4 stars). 4 submissions from 4 submitters: Likely pathogenic (4). Last evaluated 2025-03-24.

Conditions:
Arthrogryposis multiplex congenita 6. Identifiers: MedGen C5543431, MONDO:0030281, OMIM 619334.
Nemaline myopathy. Also called: Myopathies, Nemaline. Identifiers: Orphanet 607, MedGen C0206157, MONDO:0018958.
Nemaline myopathy 2 (NEM2). Also called: Nemaline myopathy 2, autosomal recessive. Identifiers: MedGen C1850569, MONDO:0009725, OMIM 256030.

Allele frequency attached by ClinVar (database versions not stated): gnomAD 0.00001.
gnomAD v4.1: 1 of 1,611,018 alleles (0.000062%); highest among the groups gnomAD compares: African/African-American, 0.0013%; no homozygotes.

Submissions (4):

Broad Center for Mendelian Genomics, Broad Institute of MIT and Harvard
Classification: Likely pathogenic for Nemaline myopathy. Last evaluated: 2025-03-24. Review status: criteria provided, single submitter. Criteria: ACMG Guidelines, 2015. Collection method: curation. Allele origin: germline. Inheritance: Autosomal recessive inheritance.
Comment: The c.295-2A>G variant in NEB has not been previously reported in the literature in individuals with nemaline myopathy, but has been identified in 0.001% (1/74836) of African/African American chromosomes by the Genome Aggregation Database (gnomAD; dbSNP ID: rs1428300892). Although this variant has been seen in the general population in a heterozygous state, its frequency is low enough to be consistent with a recessive carrier frequency. This variant has also been reported in ClinVar (Variation ID: 1497248) and has been interpreted as likely pathogenic by Invitae. This variant is located in the 3' splice region. Computational tools predict a splicing impact, though this information is not predictive enough to determine pathogenicity. There is an in-frame cryptic splice site 24 bases upstream from the intron-exon boundary. This is predicted to include a premature termination codon and lead to a truncated or absent protein. However this information is not predictive enough to determine pathogenicity. Loss of function of the NEB gene is an established disease mechanism in autosomal recessive nemaline myopathy. In summary, although additional studies are required to fully establish its clinical significance, this variant is likely pathogenic for autosomal recessive nemaline myopathy. ACMG/AMP Criteria applied: PVS1, PM2_supporting (Richards 2015).

Fulgent Genetics
Classification: Likely pathogenic for Nemaline myopathy 2; Arthrogryposis multiplex congenita 6. Last evaluated: 2024-03-13. Review status: criteria provided, single submitter. Criteria: ACMG Guidelines, 2015. Collection method: clinical testing. Allele origin: germline.

Baylor Genetics
Classification: Likely pathogenic for Arthrogryposis multiplex congenita 6. Last evaluated: 2023-06-17. Review status: criteria provided, single submitter. Criteria: ACMG Guidelines, 2015. Collection method: clinical testing. Allele origin: unknown.

Labcorp Genetics (formerly Invitae), Labcorp
Classification: Likely pathogenic for Nemaline myopathy 2. Last evaluated: 2021-07-13. Review status: criteria provided, single submitter. Criteria: Invitae Variant Classification Sherloc (09022015). Collection method: clinical testing. Allele origin: germline.
Comment: This sequence change affects an acceptor splice site in intron 5 of the NEB gene. It is expected to disrupt RNA splicing. Variants that disrupt the donor or acceptor splice site typically lead to a loss of protein function (PMID: 16199547), and loss-of-function variants in NEB are known to be pathogenic (PMID: 25205138). This variant is not present in population databases (ExAC no frequency). This variant has not been reported in the literature in individuals affected with NEB-related conditions. Algorithms developed to predict the effect of sequence changes on RNA splicing suggest that this variant may disrupt the consensus splice site. In summary, the currently available evidence indicates that the variant is pathogenic, but additional data are needed to prove that conclusively. Therefore, this variant has been classified as Likely Pathogenic.

Literature cited by the submitters: PubMed 16199547 (cited by Labcorp Genetics (formerly Invitae), Labcorp); PubMed 25205138 (cited by Labcorp Genetics (formerly Invitae), Labcorp).

NM_001164508.2(NEB):c.295-2A>G

Gene: NEB (nebulin; minus strand). Cytogenetic location: 2q23.3.
Variant type: single nucleotide variant.
Coding change: c.295-2A>G on transcript NM_001164508.2 (MANE Select); the canonical splice acceptor site of the intron before coding-DNA position 295, A replaced by G.
Molecular consequence: splice acceptor variant.
Genome position (GRCh38, 1-based): chr2:151,725,562, T>C on the plus strand (A>G on the coding strand, the complement: NEB is on the minus strand). VCF-style: chr2-151725562-T-C. GRCh37 (hg19) VCF-style: chr2-152582076-T-C.
Other names: c.295-2A>G (NM_004543.5, NM_001164507.2, NM_001271208.2 and 1 more transcripts).
Identifiers: ClinVar variation 1497248 (VCV001497248.9), dbSNP rs1428300892, ClinGen allele CA348794045.